The following is an entry in ClinVar:

NM_001134407.3(GRIN2A):c.316C>T (p.Gln106Ter)

Gene: GRIN2A (glutamate ionotropic receptor NMDA type subunit 2A; minus strand). Cytogenetic location: 16p13.2.
Variant type: single nucleotide variant.
Coding change: c.316C>T on transcript NM_001134407.3 (MANE Select); coding-DNA position 316, C replaced by T.
Protein change: p.Gln106Ter; replaces glutamine 106 with a stop codon.
Molecular consequence: nonsense.
Genome position (GRCh38, 1-based): chr16:10,180,096, G>A on the plus strand (C>T on the coding strand, the complement: GRIN2A is on the minus strand). VCF-style: chr16-10180096-G-A. GRCh37 (hg19) VCF-style: chr16-10273953-G-A.
Other names: c.316C>T, p.Gln106Ter (NM_000833.5, NM_001134408.2); short protein forms Q106*.
Identifiers: ClinVar variation 2021389 (VCV002021389.4), dbSNP rs1555491453, ClinGen allele CA394715281.

ClinVar aggregate classification (germline): Pathogenic (1 of 4 stars; one submission).

Conditions:
Landau-Kleffner syndrome (FESD). Also called: EPILEPSY, FOCAL, WITH SPEECH DISORDER AND WITH OR WITHOUT MENTAL RETARDATION; APHASIA, ACQUIRED, WITH EPILEPSY. Identifiers: Orphanet 1945, Orphanet 725, Orphanet 98818, MedGen C0282512, MONDO:0009509, OMIM 245570.

Submission:

Labcorp Genetics (formerly Invitae), Labcorp
Classification: Pathogenic for Landau-Kleffner syndrome. Last evaluated: 2022-08-03. Review status: criteria provided, single submitter. Criteria: Invitae Variant Classification Sherloc (09022015). Collection method: clinical testing. Allele origin: germline.
Comment: This sequence change creates a premature translational stop signal (p.Gln106*) in the GRIN2A gene. It is expected to result in an absent or disrupted protein product. Loss-of-function variants in GRIN2A are known to be pathogenic (PMID: 23933819, 23933820). For these reasons, this variant has been classified as Pathogenic. This variant has not been reported in the literature in individuals affected with GRIN2A-related conditions. This variant is not present in population databases (gnomAD no frequency).

Literature cited by the submitters: PubMed 23933819; PubMed 23933820.